The following is an entry in ClinVar:

ClinVar aggregate classification (germline): Uncertain significance (1 of 4 stars; one submission).

gnomAD v4.1: 11 of 1,614,096 alleles (0.00068%); highest among the groups gnomAD compares: Admixed American, 0.018%; no homozygotes.

Submission:

Ambry Genetics
Classification: Uncertain significance. Last evaluated: 2026-04-22. Review status: criteria provided, single submitter. Criteria: Ambry Variant Classification Scheme 2023. Collection method: clinical testing. Allele origin: germline.
Comment: The c.2960T>C (p.I987T) alteration is located in exon 9 (coding exon 8) of the CILP gene. This alteration results from a T to C substitution at nucleotide position 2960, causing the isoleucine (I) at amino acid position 987 to be replaced by a threonine (T). Based on data from gnomAD, the C allele has an overall frequency of 0.005% (12/251342) total alleles studied. The highest observed frequency was 0.035% (12/34578) of Latino alleles. Based on insufficient or conflicting evidence, the clinical significance of this alteration remains unclear.

NM_003613.4(CILP):c.2960T>C (p.Ile987Thr)

Gene: CILP (cartilage intermediate layer protein; minus strand). Cytogenetic location: 15q22.31.
Variant type: single nucleotide variant.
Coding change: c.2960T>C on transcript NM_003613.4 (MANE Select); coding-DNA position 2960, T replaced by C.
Protein change: p.Ile987Thr; replaces isoleucine 987 with threonine.
Molecular consequence: missense variant.
Genome position (GRCh38, 1-based): chr15:65,197,326, A>G on the plus strand (T>C on the coding strand, the complement: CILP is on the minus strand). VCF-style: chr15-65197326-A-G. GRCh37 (hg19) VCF-style: chr15-65489664-A-G.
Other names: short protein forms I987T.
Identifiers: ClinVar variation 4868984 (VCV004868984.1).